The following continues an entry in ClinVar:

NM_000051.4(ATM):c.3014A>G (p.Asn1005Ser)

Gene: ATM. ClinVar aggregate classification (germline): Conflicting classifications of pathogenicity. Uncertain significance (9); Benign (4); Likely benign (8).

Submissions 17 to 24 of 24:

Eurofins Ntd Llc (ga)
Classification: Uncertain significance. Last evaluated: 2016-03-29. Review status: criteria provided, single submitter. Criteria: EGL Classification Definitions 2015. Collection method: clinical testing. Allele origin: germline. Observed: 1 variant allele, 1 heterozygote.

Genomic Diagnostic Laboratory, Division of Genomic Diagnostics, Children's Hospital of Philadelphia
Classification: Uncertain significance. Last evaluated: 2015-10-11. Review status: criteria provided, single submitter. Criteria: DGD Variant Analysis Guidelines. Collection method: clinical testing. Allele origin: unknown.

Ambry Genetics
Classification: Benign for Hereditary cancer-predisposing syndrome. Last evaluated: 2015-05-14. Review status: criteria provided, single submitter. Criteria: Ambry Variant Classification Scheme 2023. Collection method: clinical testing. Allele origin: germline.

Color Diagnostics, LLC DBA Color Health
Classification: Likely benign for Hereditary cancer-predisposing syndrome. Last evaluated: 2014-12-17. Review status: criteria provided, single submitter. Criteria: ACMG Guidelines, 2015. Collection method: clinical testing. Allele origin: germline.

Center for Genomics, Ann and Robert H. Lurie Children's Hospital of Chicago
Classification: Uncertain significance for Ataxia-telangiectasia syndrome; Familial cancer of breast. Review status: criteria provided, single submitter. Criteria: ACMG Guidelines, 2015. Collection method: clinical testing. Allele origin: germline.
Comment: ATM NM_000051.3 exon 20 p.Asn1005Ser (c.3014A>G): This variant has been reported in the literature as germline in at least 3 individuals with cancer (Haiman 2013 PMID:23555315, Lu 2015 PMID:26689913, Tung 2016 PMID:26976419). This variant is present in 0.6% (65/10362) of Ashkenazi Jewish alleles in the Genome Aggregation Database. This variant is present in ClinVar, with several conflicting interpretations between Variant of Uncertain Significance (VUS) and Likely Benign/Benign (Variation ID:127366). This variant amino acid Serine (Ser) is present in >20 species including mammals and is not well conserved among evolutionarily distant species; this suggests that this variant may not impact the protein. Additional computational prediction tools do not suggest an impact. In summary, data on this variant is insufficient for disease classification. Therefore, the clinical significance of this variant is uncertain.

Institute for Biomarker Research, Medical Diagnostic Laboratories, L.L.C.
Classification: Benign for Hereditary cancer-predisposing syndrome. Last evaluated: 2021-11-09. Review status: no assertion criteria provided. Collection method: clinical testing. Allele origin: germline. Not counted in ClinVar's aggregate classification.

PreventionGenetics, part of Exact Sciences
Classification: Likely benign for ATM-related condition. Last evaluated: 2019-09-10. Review status: no assertion criteria provided. Collection method: clinical testing. Allele origin: germline. Not counted in ClinVar's aggregate classification.
Comment: This variant is classified as likely benign based on ACMG/AMP sequence variant interpretation guidelines (Richards et al. 2015 PMID: 25741868, with internal and published modifications).

Department of Pathology and Laboratory Medicine, Sinai Health System
Classification: Uncertain significance for Malignant tumor of breast. Review status: no assertion criteria provided. Collection method: clinical testing. Allele origin: unknown. Affected: yes. Observed: 2 variant alleles. Study: The Canadian Open Genetics Repository (COGR). Not counted in ClinVar's aggregate classification.
Comment: The ATM p.Asn1005Ser variant was identified in 1 of 976 proband chromosomes (frequency: 0.001) from individuals or families with breast cancer (Tung 2016). The variant was also identified in dbSNP (ID: rs146531614) as â€šÃ„ÃºWith Uncertain significance alleleâ€šÃ„Ã¹, ClinVar (classified as benign by Ambry Genetics; as likely benign by Invitae; as uncertain significance by GeneDx and 5 clinical laboratories), Clinvitae, MutDB, and LOVD 3.0 databases. The variant was not identified in the COGR, or the Cosmic database. The variant was identified in control databases in 100 of 277096 chromosomes at a frequency of 0.0004 variant (Genome Aggregation Database Feb 27, 2017). It was observed in the following populations: African in 3 of 24030 chromosomes (freq: 0.0001), Other in 1 of 6460 chromosomes (freq: 0.0002), Latino in 17 of 34418 chromosomes (freq: 0.001), European in 13 of 126614 chromosomes (freq: 0.0001), Ashkenazi Jewish in 66 of 10142 chromosomes (freq: 0.01); it was not observed in the East Asian, Finnish, and South Asian populations. The p.Asn1005 residue is not conserved in mammals and computational analyses (PolyPhen-2, SIFT, AlignGVGD, BLOSUM, MutationTaster) do not suggest a high likelihood of impact to the protein; however, this information is not predictive enough to rule out pathogenicity. The variant occurs outside of the splicing consensus sequence and 2 of 5 in silico or computational prediction software programs (SpliceSiteFinder, MaxEntScan, NNSPLICE, GeneSplicer, HumanSpliceFinder) predict a greater than 10% difference in splicing; this is not very predictive of pathogenicity. In summary, based on the above information the clinical significance of this variant cannot be determined with certainty at this time. This variant is classified as a variant of uncertain significance.

Literature cited by the submitters: PubMed 25085752 (cited by Myriad Genetics, Inc.); PubMed 25479140 (cited by Quest Diagnostics Nichols Institute San Juan Capistrano and Women's Health and Genetics/Laboratory Corporation of America, LabCorp); PubMed 23555315 (cited by Quest Diagnostics Nichols Institute San Juan Capistrano and Women's Health and Genetics/Laboratory Corporation of America, LabCorp); PubMed 33395407 (cited by Quest Diagnostics Nichols Institute San Juan Capistrano); PubMed 29522266 (cited by Quest Diagnostics Nichols Institute San Juan Capistrano); PubMed 28779002 (cited by Quest Diagnostics Nichols Institute San Juan Capistrano); PubMed 26976419 (cited by Quest Diagnostics Nichols Institute San Juan Capistrano and Women's Health and Genetics/Laboratory Corporation of America, LabCorp); PubMed 26689913 (cited by Quest Diagnostics Nichols Institute San Juan Capistrano and Women's Health and Genetics/Laboratory Corporation of America, LabCorp); PubMed 30883245 (cited by Quest Diagnostics Nichols Institute San Juan Capistrano and Women's Health and Genetics/Laboratory Corporation of America, LabCorp); PubMed 25589003 (cited by Women's Health and Genetics/Laboratory Corporation of America, LabCorp); PubMed 31206626 (cited by Women's Health and Genetics/Laboratory Corporation of America, LabCorp).